The following is an entry in ClinVar:

NM_007215.4(POLG2):c.266A>T (p.Asp89Val)

Genes: POLG2 (DNA polymerase gamma 2, accessory subunit; minus strand), MILR1 (mast cell immunoglobulin like receptor 1; plus strand). Cytogenetic location: 17q23.3.
Variant type: single nucleotide variant.
Coding change: c.266A>T on transcript NM_007215.4 (MANE Select); coding-DNA position 266, A replaced by T.
Protein change: p.Asp89Val; replaces aspartic acid 89 with valine.
Molecular consequence: missense variant.
Genome position (GRCh38, 1-based): chr17:64,496,703, T>A on the plus strand (A>T on the coding strand, the complement: POLG2 is on the minus strand). VCF-style: chr17-64496703-T-A. GRCh37 (hg19) VCF-style: chr17-62492821-T-A.
Other names: short protein forms D89V.
Identifiers: ClinVar variation 4732197 (VCV004732197.1).
Genomic context (GRCh38, chr17:64,496,703, plus strand): 5'-TTCTTCCGCAACTCTACGCCCAAGGGTCCGAAGCCGGGGTGGCACCCACTCAGAAGAGAA[T>A]CCCGGCTAAGCTGCTGCTTGCTTCCACTTAGGAAATGCCTTCTCTGACAGATCTCTAACA-3'
Protein context (NP_009146.2, residues 79-99): LSGSKQQLSR[Asp89Val]SLLSGCHPGF

ClinVar aggregate classification (germline): Uncertain significance (1 of 4 stars; one submission).

gnomAD v4.1: 1 of 1,614,000 alleles (0.000062%); highest among the groups gnomAD compares: Non-Finnish European, 0.000085%; no homozygotes.

Submission:

Labcorp Genetics (formerly Invitae), Labcorp
Classification: Uncertain significance. Last evaluated: 2025-12-09. Review status: criteria provided, single submitter. Criteria: Invitae Variant Classification Sherloc (09022015). Collection method: clinical testing. Allele origin: germline.
Comment: This sequence change replaces aspartic acid, which is acidic and polar, with valine, which is neutral and non-polar, at codon 89 of the POLG2 protein (p.Asp89Val). This variant is not present in population databases (gnomAD no frequency). This variant has not been reported in the literature in individuals affected with POLG2-related conditions. An algorithm developed to predict the effect of missense changes on protein structure and function (PolyPhen-2) suggests that this variant is likely to be tolerated. In summary, the available evidence is currently insufficient to determine the role of this variant in disease. Therefore, it has been classified as a Variant of Uncertain Significance.